The following is an entry in ClinVar:

ClinVar aggregate classification (germline): Uncertain significance. Review status: criteria provided, multiple submitters, no conflicts (2 of 4 stars). 2 submissions from 2 submitters: Uncertain significance (2). Last evaluated 2024-06-16.

Conditions:
Neurofibromatosis, type 2 (SWNV). Also called: BILATERAL ACOUSTIC NEUROFIBROMATOSIS; SCHWANNOMATOSIS, VESTIBULAR; NF2-Related Schwannomatosis. Identifiers: Orphanet 637, MedGen C0027832, MONDO:0007039, OMIM 101000. Disease mechanism: loss of function.
Hereditary cancer-predisposing syndrome. Also called: Tumor predisposition; Neoplastic Syndromes, Hereditary; Hereditary Cancer Syndrome; Hereditary neoplastic syndrome. Identifiers: Orphanet 140162, MedGen C0027672, MeSH D009386, MONDO:0015356.

Submissions (2):

Ambry Genetics
Classification: Uncertain significance for Hereditary cancer-predisposing syndrome. Last evaluated: 2024-06-16. Review status: criteria provided, single submitter. Criteria: Ambry Variant Classification Scheme 2023. Collection method: clinical testing. Allele origin: germline.
Comment: The p.H242Q variant (also known as c.726C>G), located in coding exon 8 of the NF2 gene, results from a C to G substitution at nucleotide position 726. The histidine at codon 242 is replaced by glutamine, an amino acid with highly similar properties. This amino acid position is conserved. In addition, this alteration is predicted to be deleterious by in silico analysis. Based on the available evidence, the clinical significance of this variant remains unclear.

Labcorp Genetics (formerly Invitae), Labcorp
Classification: Uncertain significance for Neurofibromatosis, type 2. Last evaluated: 2018-12-04. Review status: criteria provided, single submitter. Criteria: Invitae Variant Classification Sherloc (09022015). Collection method: clinical testing. Allele origin: germline.
Comment: Algorithms developed to predict the effect of sequence changes on RNA splicing suggest that this variant may create or strengthen a splice site, but this prediction has not been confirmed by published transcriptional studies. In summary, the available evidence is currently insufficient to determine the role of this variant in disease. Therefore, it has been classified as a Variant of Uncertain Significance. Algorithms developed to predict the effect of missense changes on protein structure and function are either unavailable or do not agree on the potential impact of this missense change (SIFT: "Tolerated"; PolyPhen-2: "Probably Damaging"; Align-GVGD: "Class C0"). This sequence change replaces histidine with glutamine at codon 242 of the NF2 protein (p.His242Gln). The histidine residue is highly conserved and there is a small physicochemical difference between histidine and glutamine. This variant is not present in population databases (ExAC no frequency). This variant has not been reported in the literature in individuals with NF2-related conditions.

NM_000268.4(NF2):c.726C>G (p.His242Gln)

Gene: NF2 (NF2, moesin-ezrin-radixin like (MERLIN) tumor suppressor; plus strand). Cytogenetic location: 22q12.2.
Variant type: single nucleotide variant.
Coding change: c.726C>G on transcript NM_000268.4 (MANE Select); coding-DNA position 726, C replaced by G.
Protein change: p.His242Gln; replaces histidine 242 with glutamine.
Molecular consequence: missense variant. On other transcripts: non-coding transcript variant (1), intron variant (1).
Genome position (GRCh38, 1-based): chr22:29,661,255, C>G. VCF-style: chr22-29661255-C-G. GRCh37 (hg19) VCF-style: chr22-30057244-C-G.
Other names: c.726C>G, p.His242Gln (NM_016418.5, NM_181825.3, NM_181832.3); c.600C>G, p.His200Gln (NM_181828.3); c.603C>G, p.His201Gln (NM_181829.3); c.477C>G, p.His159Gln (NM_181830.3, NM_181831.3); c.447+18970C>G (NM_181833.3); short protein forms H159Q, H200Q, H201Q, H242Q.
Identifiers: ClinVar variation 662971 (VCV000662971.10), dbSNP rs1480040681, ClinGen allele CA411143834.